The following is an entry in ClinVar:

ClinVar aggregate classification (germline): Uncertain significance. Review status: criteria provided, multiple submitters, no conflicts (2 of 4 stars). 3 submissions from 3 submitters: Uncertain significance (3). Last evaluated 2025-09-29.

Conditions:
Primary immunodeficiency with natural-killer cell deficiency and adrenal insufficiency (IMD54). Also called: Natural killer cell and glucocorticoid deficiency with DNA repair defect; IMMUNODEFICIENCY 54. Identifiers: Orphanet 75391, MedGen C1864947, MONDO:0012383, OMIM 609981.

Allele frequency attached by ClinVar (database versions not stated): gnomAD 0.00007 and 0.00008; TOPMed 0.00009; ExAC 0.00002; gnomAD exomes 0.00002.
gnomAD v4.1: 47 of 1,612,034 alleles (0.0029%); highest among the groups gnomAD compares: African/African-American, 0.0053%; no homozygotes.

Submissions (3):

Ambry Genetics
Classification: Uncertain significance. Last evaluated: 2025-09-29. Review status: criteria provided, single submitter. Criteria: Ambry Variant Classification Scheme 2023. Collection method: clinical testing. Allele origin: germline.

Fulgent Genetics
Classification: Uncertain significance for Primary immunodeficiency with natural-killer cell deficiency and adrenal insufficiency. Last evaluated: 2024-05-23. Review status: criteria provided, single submitter. Criteria: ACMG Guidelines, 2015. Collection method: clinical testing. Allele origin: germline.

Labcorp Genetics (formerly Invitae), Labcorp
Classification: Uncertain significance. Last evaluated: 2021-10-16. Review status: criteria provided, single submitter. Criteria: Invitae Variant Classification Sherloc (09022015). Collection method: clinical testing. Allele origin: germline.
Comment: This sequence change replaces arginine with histidine at codon 343 of the MCM4 protein (p.Arg343His). The arginine residue is highly conserved and there is a small physicochemical difference between arginine and histidine. This variant is present in population databases (rs752237454, ExAC 0.02%). This variant has not been reported in the literature in individuals affected with MCM4-related conditions. Algorithms developed to predict the effect of missense changes on protein structure and function (SIFT, PolyPhen-2, Align-GVGD) all suggest that this variant is likely to be disruptive. In summary, the available evidence is currently insufficient to determine the role of this variant in disease. Therefore, it has been classified as a Variant of Uncertain Significance.

NM_182746.3(MCM4):c.1028G>A (p.Arg343His)

Gene: MCM4 (minichromosome maintenance complex component 4; plus strand). Cytogenetic location: 8q11.21.
Variant type: single nucleotide variant.
Coding change: c.1028G>A on transcript NM_182746.3 (MANE Select); coding-DNA position 1028, G replaced by A.
Protein change: p.Arg343His; replaces arginine 343 with histidine.
Molecular consequence: missense variant.
Genome position (GRCh38, 1-based): chr8:47,966,382, G>A. VCF-style: chr8-47966382-G-A. GRCh37 (hg19) VCF-style: chr8-48878942-G-A.
Other names: c.1028G>A, p.Arg343His (NM_005914.4); c.1028G>A (NM_005914.3); short protein forms R343H.
Identifiers: ClinVar variation 1473839 (VCV001473839.5), dbSNP rs752237454, ClinGen allele CA4742490.